The following is an entry in ClinVar:

ClinVar aggregate classification (germline): Uncertain significance (1 of 4 stars; one submission).

Conditions:
3-Methylglutaconic aciduria type 2 (BTHS). Also called: CARDIOSKELETAL MYOPATHY WITH NEUTROPENIA AND ABNORMAL MITOCHONDRIA; Barth syndrome. Identifiers: Orphanet 111, MedGen C0574083, MONDO:0010543, OMIM 302060.

Submission:

Labcorp Genetics (formerly Invitae), Labcorp
Classification: Uncertain significance for 3-Methylglutaconic aciduria type 2. Last evaluated: 2025-10-29. Review status: criteria provided, single submitter. Criteria: Invitae Variant Classification Sherloc (09022015). Collection method: clinical testing. Allele origin: germline.
Comment: This sequence change replaces glutamic acid, which is acidic and polar, with glycine, which is neutral and non-polar, at codon 126 of the TAZ protein (p.Glu126Gly). This variant is not present in population databases (gnomAD no frequency). This variant has not been reported in the literature in individuals affected with TAZ-related conditions. An algorithm developed to predict the effect of missense changes on protein structure and function outputs the following: PolyPhen-2: "Benign". The glycine amino acid residue is found in multiple mammalian species, which suggests that this missense change does not adversely affect protein function. In summary, the available evidence is currently insufficient to determine the role of this variant in disease. Therefore, it has been classified as a Variant of Uncertain Significance.

NM_000116.5(TAFAZZIN):c.377A>G (p.Glu126Gly)

Gene: TAFAZZIN (tafazzin, phospholipid-lysophospholipid transacylase; plus strand). Cytogenetic location: Xq28.
Variant type: single nucleotide variant.
Coding change: c.377A>G on transcript NM_000116.5 (MANE Select); coding-DNA position 377, A replaced by G.
Protein change: p.Glu126Gly; replaces glutamic acid 126 with glycine.
Molecular consequence: missense variant. On other transcripts: intron variant (5).
Genome position (GRCh38, 1-based): chrX:154,414,107, A>G. VCF-style: chrX-154414107-A-G. GRCh37 (hg19) VCF-style: chrX-153642444-A-G.
Other names: c.431A>G, p.Glu144Gly (NM_001303465.2, NM_001440856.1); c.377A>G, p.Glu126Gly (NM_181312.4); c.424+540A>G (NM_001410698.1, NM_001440857.1); c.370+540A>G (NM_181311.4, NM_181313.4, NM_001440858.1); short protein forms E126G, E144G.
Identifiers: ClinVar variation 4774422 (VCV004774422.1).